The following is an entry in ClinVar:

ClinVar aggregate classification (germline): Uncertain significance (1 of 4 stars; one submission).

Submission:

GeneDx
Classification: Uncertain significance. Last evaluated: 2025-06-11. Review status: criteria provided, single submitter. Criteria: GeneDx Variant Classification Process June 2021. Collection method: clinical testing. Allele origin: germline. Affected: yes.
Comment: Has not been previously published as pathogenic or benign to our knowledge; Not observed at significant frequency in large population cohorts (gnomAD); In silico analysis supports that this missense variant has a deleterious effect on protein structure/function

NM_001287.6(CLCN7):c.797C>T (p.Ser266Leu)

Gene: CLCN7 (chloride voltage-gated channel 7; minus strand). Cytogenetic location: 16p13.3.
Variant type: single nucleotide variant.
Coding change: c.797C>T on transcript NM_001287.6 (MANE Select); coding-DNA position 797, C replaced by T.
Protein change: p.Ser266Leu; replaces serine 266 with leucine.
Molecular consequence: missense variant.
Genome position (GRCh38, 1-based): chr16:1,457,279, G>A on the plus strand (C>T on the coding strand, the complement: CLCN7 is on the minus strand). VCF-style: chr16-1457279-G-A. GRCh37 (hg19) VCF-style: chr16-1507280-G-A.
Other names: c.725C>T, p.Ser242Leu (NM_001114331.3); short protein forms S242L, S266L.
Identifiers: ClinVar variation 4537533 (VCV004537533.1).
Genomic context (GRCh38, chr16:1,457,279, plus strand): 5'-CATCTGGAGCCCACCCACACAAGATTTCAACTCACCTTGAAATCTCGTTTCAGTGACGTT[G>A]ACCTTCCCTGAGAGATCCCGGCGGCAATCACTGAACCTGAGTGGATCATCGGCCCTTCCT-3'
Protein context (NP_001278.1, residues 256-276): VIAAGISQGR[Ser266Leu]TSLKRDFKIF